The following is an entry in ClinVar:

NM_001278116.2(L1CAM):c.3181G>T (p.Ala1061Ser)

Gene: L1CAM (L1 cell adhesion molecule; minus strand). Cytogenetic location: Xq28.
Variant type: single nucleotide variant.
Coding change: c.3181G>T on transcript NM_001278116.2 (MANE Select); coding-DNA position 3181, G replaced by T.
Protein change: p.Ala1061Ser; replaces alanine 1061 with serine.
Molecular consequence: missense variant.
Genome position (GRCh38, 1-based): chrX:153,864,463, C>A on the plus strand (G>T on the coding strand, the complement: L1CAM is on the minus strand). VCF-style: chrX-153864463-C-A. GRCh37 (hg19) VCF-style: chrX-153129918-C-A.
Other names: c.3181G>T, p.Ala1061Ser (NM_000425.5, NM_024003.3); c.3166G>T, p.Ala1056Ser (NM_001143963.2); short protein forms A1056S, A1061S.
Identifiers: ClinVar variation 948416 (VCV000948416.7), dbSNP rs1232974377, ClinGen allele CA415111325.

ClinVar aggregate classification (germline): Uncertain significance (1 of 4 stars; one submission).

Conditions:
Spastic paraplegia. Identifiers: MedGen C0037772, HP:0001258.

Allele frequency attached by ClinVar (database versions not stated): TOPMed below 0.00001; gnomAD 0.00001.
gnomAD v4.1: 13 of 1,208,738 alleles (0.0011%); highest among the groups gnomAD compares: Non-Finnish European, 0.0015%; no homozygotes.

Submission:

Labcorp Genetics (formerly Invitae), Labcorp
Classification: Uncertain significance for Spastic paraplegia. Last evaluated: 2021-08-25. Review status: criteria provided, single submitter. Criteria: Invitae Variant Classification Sherloc (09022015). Collection method: clinical testing. Allele origin: germline.
Comment: This sequence change replaces alanine with serine at codon 1061 of the L1CAM protein (p.Ala1061Ser). The alanine residue is weakly conserved and there is a moderate physicochemical difference between alanine and serine. This variant is not present in population databases (ExAC no frequency). This variant has not been reported in the literature in individuals affected with L1CAM-related conditions. Algorithms developed to predict the effect of missense changes on protein structure and function output the following: SIFT: "Tolerated"; PolyPhen-2: "Benign"; Align-GVGD: "Class C0". The serine amino acid residue is found in multiple mammalian species, which suggests that this missense change does not adversely affect protein function. In summary, the available evidence is currently insufficient to determine the role of this variant in disease. Therefore, it has been classified as a Variant of Uncertain Significance.